The following is an entry in ClinVar:

ClinVar aggregate classification (germline): Benign. Review status: criteria provided, multiple submitters, no conflicts (2 of 4 stars). 3 submissions from 3 submitters: Benign (2). 1 of the submissions does not count toward it. Last evaluated 2019-12-31.

Conditions:
GRM8-related disorder. Also called: GRM8-related condition.

Allele frequency attached by ClinVar (database versions not stated): gnomAD exomes 0.00188 and 0.00454; ExAC 0.00572; 1000 Genomes Project 0.01777; gnomAD 0.01827 and 0.01987; 1000 Genomes Project 30x 0.01999; TOPMed 0.02074; ESP Exome Variant Server 0.02130.
gnomAD v4.1: 5,603 of 1,613,848 alleles (0.35%); highest among the groups gnomAD compares: African/African-American, 6.5%; 159 homozygotes.

Submissions (3):

Labcorp Genetics (formerly Invitae), Labcorp
Classification: Benign. Last evaluated: 2019-12-31. Review status: criteria provided, single submitter. Criteria: Invitae Variant Classification Sherloc (09022015). Collection method: clinical testing. Allele origin: germline.

Breakthrough Genomics
Classification: Benign. Review status: criteria provided, single submitter. Criteria: ACMG Guidelines, 2015. Collection method: not provided. Allele origin: germline. Inheritance: Unknown mechanism. Affected: yes.

PreventionGenetics, part of Exact Sciences
Classification: Benign for GRM8-related condition. Last evaluated: 2019-04-10. Review status: no assertion criteria provided. Collection method: clinical testing. Allele origin: germline. Not counted in ClinVar's aggregate classification.
Comment: This variant is classified as benign based on ACMG/AMP sequence variant interpretation guidelines (Richards et al. 2015 PMID: 25741868, with internal and published modifications).

NM_000845.3(GRM8):c.1534C>G (p.Pro512Ala)

Gene: GRM8 (glutamate metabotropic receptor 8; minus strand). Cytogenetic location: 7q31.33.
Variant type: single nucleotide variant.
Coding change: c.1534C>G on transcript NM_000845.3 (MANE Select); coding-DNA position 1534, C replaced by G.
Protein change: p.Pro512Ala; replaces proline 512 with alanine.
Molecular consequence: missense variant. On other transcripts: non-coding transcript variant (3).
Genome position (GRCh38, 1-based): chr7:126,533,848, G>C on the plus strand (C>G on the coding strand, the complement: GRM8 is on the minus strand). VCF-style: chr7-126533848-G-C. GRCh37 (hg19) VCF-style: chr7-126173902-G-C.
Other names: c.1534C>G, p.Pro512Ala (NM_001127323.1, NM_001371083.1, NM_001371084.1 and 2 more transcripts); c.919C>G, p.Pro307Ala (NM_001371087.1); short protein forms P307A, P512A.
Identifiers: ClinVar variation 768199 (VCV000768199.7), dbSNP rs61753365, ClinGen allele CA4465818.
Genomic context (GRCh38, chr7:126,533,848, plus strand): 5'-CCCCTTTCACCGTTTTCTTCCTCTCCCCTGGCTTACACGGCAGGCTGCAGACAGACGCCG[G>C]GTGAGTATGTTCTCTATGAGCCCACTGCATGTCTTCCACCTGTGGGTATAAAAAATTAAT-3'
Protein context (NP_000836.2, residues 502-522): MQWAHREHTH[Pro512Ala]ASVCSLPCKP